The following is an entry in ClinVar:

NM_001197104.2(KMT2A):c.10297C>A (p.Pro3433Thr)

Gene: KMT2A (lysine methyltransferase 2A; plus strand). Cytogenetic location: 11q23.3.
Variant type: single nucleotide variant.
Coding change: c.10297C>A on transcript NM_001197104.2 (MANE Select); coding-DNA position 10297, C replaced by A.
Protein change: p.Pro3433Thr; replaces proline 3433 with threonine.
Molecular consequence: missense variant.
Genome position (GRCh38, 1-based): chr11:118,506,189, C>A. VCF-style: chr11-118506189-C-A. GRCh37 (hg19) VCF-style: chr11-118376904-C-A.
Other names: c.10297C>A (NM_001197104.1); c.10288C>A, p.Pro3430Thr (NM_005933.4); short protein forms P3433T, P3430T.
Identifiers: ClinVar variation 1395146 (VCV001395146.10), dbSNP rs143780031, ClinGen allele CA6304719.

ClinVar aggregate classification (germline): Conflicting classifications of pathogenicity. Review status: criteria provided, conflicting classifications (1 of 4 stars). 3 submissions from 3 submitters: Uncertain significance (1); Likely benign (2). Last evaluated 2025-12-25.

Conditions:
Inborn genetic diseases. Identifiers: MedGen C0950123, MeSH D030342.
KMT2A-related disorder. Also called: KMT2A-related condition.

Allele frequency attached by ClinVar (database versions not stated): ExAC 0.00001; gnomAD exomes 0.00001 and 0.00002; gnomAD 0.00007 and 0.00008; TOPMed 0.00010; ESP Exome Variant Server 0.00023.
gnomAD v4.1: 22 of 1,613,992 alleles (0.0014%); highest among the groups gnomAD compares: African/African-American, 0.025%; no homozygotes.

Submissions (3):

Labcorp Genetics (formerly Invitae), Labcorp
Classification: Uncertain significance. Last evaluated: 2025-12-25. Review status: criteria provided, single submitter. Criteria: Invitae Variant Classification Sherloc (09022015). Collection method: clinical testing. Allele origin: germline.
Comment: This sequence change replaces proline, which is neutral and non-polar, with threonine, which is neutral and polar, at codon 3433 of the KMT2A protein (p.Pro3433Thr). This variant is present in population databases (rs143780031, gnomAD 0.02%). This variant has not been reported in the literature in individuals affected with KMT2A-related conditions. ClinVar contains an entry for this variant (Variation ID: 1395146). Invitae Evidence Modeling of protein sequence and biophysical properties (such as structural, functional, and spatial information, amino acid conservation, physicochemical variation, residue mobility, and thermodynamic stability) has been performed for this missense variant. However, the output from this modeling did not meet the statistical confidence thresholds required to predict the impact of this variant on KMT2A protein function. In summary, the available evidence is currently insufficient to determine the role of this variant in disease. Therefore, it has been classified as a Variant of Uncertain Significance.

PreventionGenetics, part of Exact Sciences
Classification: Likely benign for KMT2A-related condition. Last evaluated: 2024-12-11. Review status: criteria provided, single submitter. Criteria: ACMG Guidelines, 2015. Collection method: clinical testing. Allele origin: germline.
Comment: This variant is classified as likely benign based on ACMG/AMP sequence variant interpretation guidelines (Richards et al. 2015 PMID: 25741868, with internal and published modifications).

Ambry Genetics
Classification: Likely benign for Inborn genetic diseases. Last evaluated: 2021-06-25. Review status: criteria provided, single submitter. Criteria: Ambry Variant Classification Scheme 2023. Collection method: clinical testing. Allele origin: germline.